The following is an entry in ClinVar:

NC_000015.10:g.(?_92939558)_(92944535_?)del

Gene: CHD2 (chromodomain helicase DNA binding protein 2; plus strand). Cytogenetic location: 15q26.1.
Variant type: Deletion.
Identifiers: ClinVar variation 830630 (VCV000830630.7).

ClinVar aggregate classification (germline): Pathogenic (1 of 4 stars; one submission).

Conditions:
Developmental and epileptic encephalopathy 94 (DEE94). Also called: Epileptic encephalopathy, childhood-onset; CHD2-Related Neurodevelopmental Disorders. Identifiers: Orphanet 1942, Orphanet 2382, MedGen C3809278, MONDO:0014150, OMIM 615369.

Submission:

Labcorp Genetics (formerly Invitae), Labcorp
Classification: Pathogenic for Developmental and epileptic encephalopathy 94. Last evaluated: 2022-11-01. Review status: criteria provided, single submitter. Criteria: Invitae Variant Classification Sherloc (09022015). Collection method: clinical testing. Allele origin: germline.
Comment: For these reasons, this variant has been classified as Pathogenic. This variant has not been reported in the literature in individuals affected with CHD2-related conditions. This variant is a gross deletion of the genomic region encompassing exon(s) 7-10 of the CHD2 gene. This deletion is out-of-frame, and is expected to create a premature termination codon and result in an absent or disrupted protein product. Loss-of-function variants in CHD2 are known to be pathogenic (PMID: 23708187, 24207121).

Literature cited by the submitters: PubMed 23708187; PubMed 24207121.